The following is an entry in ClinVar:

ClinVar aggregate classification (germline): Conflicting classifications of pathogenicity. Review status: criteria provided, conflicting classifications (1 of 4 stars). 2 submissions from 2 submitters: Uncertain significance (1); Likely benign (1). Last evaluated 2023-05-21.

Submissions (2):

Labcorp Genetics (formerly Invitae), Labcorp
Classification: Likely benign. Last evaluated: 2023-05-21. Review status: criteria provided, single submitter. Criteria: Invitae Variant Classification Sherloc (09022015). Collection method: clinical testing. Allele origin: germline.

GeneDx
Classification: Uncertain significance. Last evaluated: 2023-03-28. Review status: criteria provided, single submitter. Criteria: GeneDx Variant Classification Process June 2021. Collection method: clinical testing. Allele origin: germline. Affected: yes.
Comment: Not observed at significant frequency in large population cohorts (gnomAD); In silico analysis supports that this variant does not alter splicing; Has not been previously published as pathogenic or benign to our knowledge

NM_006996.3(SLC19A2):c.42G>A (p.Ala14=)

Genes: SLC19A2 (solute carrier family 19 member 2; minus strand), LOC129931894 (ATAC-STARR-seq lymphoblastoid silent region 1546; plus strand). Cytogenetic location: 1q24.2.
Variant type: single nucleotide variant.
Coding change: c.42G>A on transcript NM_006996.3 (MANE Select); coding-DNA position 42, G replaced by A.
Protein change: p.Ala14=; no amino-acid change (alanine 14 retained).
Molecular consequence: synonymous variant.
Genome position (GRCh38, 1-based): chr1:169,485,725, C>T on the plus strand (G>A on the coding strand, the complement: SLC19A2 is on the minus strand). VCF-style: chr1-169485725-C-T. GRCh37 (hg19) VCF-style: chr1-169454963-C-T.
Other names: c.42G>A, p.Ala14= (NM_001319667.1).
Identifiers: ClinVar variation 2581986 (VCV002581986.4), dbSNP rs945252214, ClinGen allele CA421719871.